The following is an entry in ClinVar:

ClinVar aggregate classification (germline): Conflicting classifications of pathogenicity. Review status: criteria provided, conflicting classifications (1 of 4 stars). 3 submissions from 3 submitters: Uncertain significance (1); Likely benign (2). Last evaluated 2026-01-27.

Conditions:
Werner syndrome (WRN). Identifiers: Orphanet 902, MedGen C0043119, MONDO:0010196, OMIM 277700.

Allele frequency attached by ClinVar (database versions not stated): TOPMed 0.00001; gnomAD 0.00002 and 0.00004; gnomAD exomes 0.00007 and 0.00014; ExAC 0.00017.
gnomAD v4.1: 113 of 1,613,724 alleles (0.007%); highest among the groups gnomAD compares: South Asian, 0.12%; 3 homozygotes.

Submissions (3):

Labcorp Genetics (formerly Invitae), Labcorp
Classification: Likely benign for Werner syndrome. Last evaluated: 2026-01-27. Review status: criteria provided, single submitter. Criteria: Invitae Variant Classification Sherloc (09022015). Collection method: clinical testing. Allele origin: germline.

CeGaT Center for Human Genetics Tuebingen
Classification: Likely benign. Last evaluated: 2023-10-01. Review status: criteria provided, single submitter. Criteria: CeGaT Center For Human Genetics Tuebingen Variant Classification Criteria Version 2. Collection method: clinical testing. Allele origin: germline. Affected: yes. Observed: 1 variant allele.
Comment: WRN: BP4, BP7

Illumina Laboratory Services, Illumina
Classification: Uncertain significance for Werner syndrome. Last evaluated: 2018-01-12. Review status: criteria provided, single submitter. Criteria: ICSL Variant Classification Criteria 13 December 2019. Collection method: clinical testing. Allele origin: germline.

NM_000553.6(WRN):c.3417T>C (p.Ser1139=)

Gene: WRN (WRN RecQ like helicase; plus strand). Cytogenetic location: 8p12.
Variant type: single nucleotide variant.
Coding change: c.3417T>C on transcript NM_000553.6 (MANE Select); coding-DNA position 3417, T replaced by C.
Protein change: p.Ser1139=; no amino-acid change (serine 1139 retained).
Molecular consequence: synonymous variant.
Genome position (GRCh38, 1-based): chr8:31,147,086, T>C. VCF-style: chr8-31147086-T-C. GRCh37 (hg19) VCF-style: chr8-31004602-T-C.
Identifiers: ClinVar variation 238154 (VCV000238154.39), dbSNP rs752542644, ClinGen allele CA4705056.